The following is an entry in ClinVar:

ClinVar aggregate classification (germline): Pathogenic (1 of 4 stars; one submission).

Allele frequency attached by ClinVar (database versions not stated): gnomAD exomes below 0.00001 and 0.00002.
gnomAD v4.1: 6 of 1,549,096 alleles (0.00039%); highest among the groups gnomAD compares: Admixed American, 0.0059%; no homozygotes.

Submission:

Labcorp Genetics (formerly Invitae), Labcorp
Classification: Pathogenic. Last evaluated: 2023-01-23. Review status: criteria provided, single submitter. Criteria: Invitae Variant Classification Sherloc (09022015). Collection method: clinical testing. Allele origin: germline.
Comment: This variant is present in population databases (no rsID available, gnomAD 0.01%). For these reasons, this variant has been classified as Pathogenic. ClinVar contains an entry for this variant (Variation ID: 962685). This variant has not been reported in the literature in individuals affected with PIEZO1-related conditions. This sequence change creates a premature translational stop signal (p.Gln1485*) in the PIEZO1 gene. It is expected to result in an absent or disrupted protein product. Loss-of-function variants in PIEZO1 are known to be pathogenic (PMID: 26333996).

Literature cited by the submitters: PubMed 26333996.

NM_001142864.4(PIEZO1):c.4453C>T (p.Gln1485Ter)

Gene: PIEZO1 (piezo type mechanosensitive ion channel component 1 (Er blood group); minus strand). Cytogenetic location: 16q24.3.
Variant type: single nucleotide variant.
Coding change: c.4453C>T on transcript NM_001142864.4 (MANE Select); coding-DNA position 4453, C replaced by T.
Protein change: p.Gln1485Ter; replaces glutamine 1485 with a stop codon.
Molecular consequence: nonsense.
Genome position (GRCh38, 1-based): chr16:88,723,137, G>A on the plus strand (C>T on the coding strand, the complement: PIEZO1 is on the minus strand). VCF-style: chr16-88723137-G-A. GRCh37 (hg19) VCF-style: chr16-88789545-G-A.
Other names: short protein forms Q1485*.
Identifiers: ClinVar variation 962685 (VCV000962685.5), dbSNP rs1235747033, ClinGen allele CA397097110.